The following is an entry in ClinVar:

ClinVar aggregate classification (germline): Uncertain significance (1 of 4 stars; one submission).

gnomAD v4.1: 2 of 1,604,738 alleles (0.00012%); highest among the groups gnomAD compares: Admixed American, 0.0017%; no homozygotes.

Submission:

GeneDx
Classification: Uncertain significance. Last evaluated: 2023-11-01. Review status: criteria provided, single submitter. Criteria: GeneDx Variant Classification Process June 2021. Collection method: clinical testing. Allele origin: germline. Affected: yes.
Comment: Not observed at significant frequency in large population cohorts (gnomAD); In silico analysis supports that this missense variant has a deleterious effect on protein structure/function; Has not been previously published as pathogenic or benign to our knowledge; Variants in candidate genes are classified as variants of uncertain significance in accordance with ACMG guidelines (PMID: 25741868)

NM_006885.4(ZFHX3):c.1168C>T (p.Pro390Ser)

Gene: ZFHX3 (zinc finger homeobox 3; minus strand). Cytogenetic location: 16q22.3.
Variant type: single nucleotide variant.
Coding change: c.1168C>T on transcript NM_006885.4 (MANE Select); coding-DNA position 1168, C replaced by T.
Protein change: p.Pro390Ser; replaces proline 390 with serine.
Molecular consequence: missense variant. On other transcripts: intron variant (1).
Genome position (GRCh38, 1-based): chr16:72,958,978, G>A on the plus strand (C>T on the coding strand, the complement: ZFHX3 is on the minus strand). VCF-style: chr16-72958978-G-A. GRCh37 (hg19) VCF-style: chr16-72992877-G-A.
Other names: c.1168C>T, p.Pro390Ser (NM_001386735.1); c.-23-8013C>T (NM_001164766.2); short protein forms P390S.
Identifiers: ClinVar variation 3363400 (VCV003363400.1).